The following is an entry in ClinVar:

ClinVar aggregate classification (germline): Uncertain significance. Review status: criteria provided, multiple submitters, no conflicts (2 of 4 stars). 3 submissions from 3 submitters: Uncertain significance (3). Last evaluated 2025-12-13.

Conditions:
Inborn genetic diseases. Identifiers: MedGen C0950123, MeSH D030342.

Submissions (3):

Ambry Genetics
Classification: Uncertain significance for Inborn genetic diseases. Last evaluated: 2025-12-13. Review status: criteria provided, single submitter. Criteria: Ambry Variant Classification Scheme 2023. Collection method: clinical testing. Allele origin: germline.
Comment: The p.Y705D variant (also known as c.2113T>G), located in coding exon 1 of the SAMD9L gene, results from a T to G substitution at nucleotide position 2113. The tyrosine at codon 705 is replaced by aspartic acid, an amino acid with highly dissimilar properties. This amino acid position is conserved. In addition, this alteration is predicted to be tolerated by in silico analysis. Based on the available evidence, the clinical significance of this variant remains unclear.

GeneDx
Classification: Uncertain significance. Last evaluated: 2024-02-25. Review status: criteria provided, single submitter. Criteria: GeneDx Variant Classification Process June 2021. Collection method: clinical testing. Allele origin: germline. Affected: yes.
Comment: Not observed at significant frequency in large population cohorts (gnomAD); In silico analysis supports that this missense variant has a deleterious effect on protein structure/function; Has not been previously published as pathogenic or benign to our knowledge

Labcorp Genetics (formerly Invitae), Labcorp
Classification: Uncertain significance. Last evaluated: 2023-07-26. Review status: criteria provided, single submitter. Criteria: Invitae Variant Classification Sherloc (09022015). Collection method: clinical testing. Allele origin: germline.
Comment: In summary, the available evidence is currently insufficient to determine the role of this variant in disease. Therefore, it has been classified as a Variant of Uncertain Significance. Advanced modeling of protein sequence and biophysical properties (such as structural, functional, and spatial information, amino acid conservation, physicochemical variation, residue mobility, and thermodynamic stability) has been performed at Invitae for this missense variant, however the output from this modeling did not meet the statistical confidence thresholds required to predict the impact of this variant on SAMD9L protein function. This variant has not been reported in the literature in individuals affected with SAMD9L-related conditions. This variant is not present in population databases (gnomAD no frequency). This sequence change replaces tyrosine, which is neutral and polar, with aspartic acid, which is acidic and polar, at codon 705 of the SAMD9L protein (p.Tyr705Asp).

NM_152703.5(SAMD9L):c.2113T>G (p.Tyr705Asp)

Gene: SAMD9L (sterile alpha motif domain containing 9 like; minus strand). Cytogenetic location: 7q21.2.
Variant type: single nucleotide variant.
Coding change: c.2113T>G on transcript NM_152703.5 (MANE Select); coding-DNA position 2113, T replaced by G.
Protein change: p.Tyr705Asp; replaces tyrosine 705 with aspartic acid.
Molecular consequence: missense variant.
Genome position (GRCh38, 1-based): chr7:93,133,859, A>C on the plus strand (T>G on the coding strand, the complement: SAMD9L is on the minus strand). VCF-style: chr7-93133859-A-C. GRCh37 (hg19) VCF-style: chr7-92763172-A-C.
Other names: c.2113T>G, p.Tyr705Asp (NM_001303496.3, NM_001303497.3, NM_001303498.3 and 5 more transcripts); c.2113T>G (NM_152703.3, NM_152703.2); short protein forms Y705D.
Identifiers: ClinVar variation 2870918 (VCV002870918.5), dbSNP rs747418346, ClinGen allele CA368192830.